The following is an entry in ClinVar:

NM_003482.4(KMT2D):c.1182_1183delinsTT (p.Gln395Ter)

Gene: KMT2D (lysine methyltransferase 2D; minus strand). Cytogenetic location: 12q13.12.
Variant type: Indel.
Coding change: c.1182_1183delinsTT on transcript NM_003482.4 (MANE Select); coding-DNA positions 1182 to 1183, GC replaced by TT.
Protein change: p.Gln395Ter; replaces glutamine 395 with a stop codon.
Molecular consequence: nonsense.
Genome position (GRCh38, 1-based): chr12:49,052,639-49,052,640, GC replaced by AA on the plus strand (GC replaced by TT on the coding strand, the reverse complement: KMT2D is on the minus strand). VCF-style: chr12-49052639-GC-AA. GRCh37 (hg19) VCF-style: chr12-49446422-GC-AA.
Other names: short protein forms Q395*.
Identifiers: ClinVar variation 4530503 (VCV004530503.1).

ClinVar aggregate classification (somatic clinical impact): Tier I - Strong (1 of 4 stars; one submission).

Conditions:
Medulloblastoma WNT activated. Identifiers: MedGen C4331965, MONDO:0850196.

Submission:

Institute for Genomic Medicine (IGM) Clinical Laboratory, Nationwide Children's Hospital
Classification: Tier I - Strong for Medulloblastoma WNT activated. Assertion type: diagnostic. Clinical significance: supports diagnosis. Last evaluated: 2022-10-19. Review status: criteria provided, single submitter. Criteria: AMP/ASCO/CAP Guidelines, 2017. Collection method: clinical testing. Allele origin: somatic. Affected: yes.
Comment: Variant has Tier I (strong) clinical significance as a diagnostic inclusion criterion in medulloblastoma WNT activated, based on the following evidence: 1) Appears in one or more well-established professional guidelines (e.g., World Health Organization [WHO]; National Comprehensive Cancer Network [NCCN]) as providing diagnostic, prognostic, or therapeutic information. 2) Information in the literature supports potential biologic effect of variant. 3) Diagnostic for a specific tumor type/classification based on well-powered studies with expert-level consensus (Evidence Level B; PMIDs: 21163964, 22832583, 28726821, 23184418, 22820256).

Literature cited by the submitters: PubMed 21163964; PubMed 22832583; PubMed 28726821; PubMed 23184418; PubMed 22820256.